The following is an entry in ClinVar:

ClinVar aggregate classification (germline): Uncertain significance. Review status: criteria provided, multiple submitters, no conflicts (2 of 4 stars). 4 submissions from 4 submitters: Uncertain significance (4). Last evaluated 2025-11-11.

Conditions:
Mitochondrial complex IV deficiency, nuclear type 11. Also called: Mitochondrial complex 4 deficiency, nuclear type 11. Identifiers: MedGen C5436694, MONDO:0033645, OMIM 619054.
Inborn genetic diseases. Identifiers: MedGen C0950123, MeSH D030342.

Allele frequency attached by ClinVar (database versions not stated): ESP Exome Variant Server 0.00008; gnomAD 0.00008; TOPMed 0.00012.
gnomAD v4.1: 201 of 1,594,748 alleles (0.013%); highest among the groups gnomAD compares: Non-Finnish European, 0.015%; no homozygotes.

Submissions (4):

Ambry Genetics
Classification: Uncertain significance for Inborn genetic diseases. Last evaluated: 2025-11-11. Review status: criteria provided, single submitter. Criteria: Ambry Variant Classification Scheme 2023. Collection method: clinical testing. Allele origin: germline.

Labcorp Genetics (formerly Invitae), Labcorp
Classification: Uncertain significance. Last evaluated: 2025-03-31. Review status: criteria provided, single submitter. Criteria: Invitae Variant Classification Sherloc (09022015). Collection method: clinical testing. Allele origin: germline.
Comment: This sequence change replaces aspartic acid, which is acidic and polar, with asparagine, which is neutral and polar, at codon 107 of the COX20 protein (p.Asp107Asn). This variant is present in population databases (rs373502901, gnomAD 0.02%). This variant has not been reported in the literature in individuals affected with COX20-related conditions. ClinVar contains an entry for this variant (Variation ID: 214274). An algorithm developed to predict the effect of missense changes on protein structure and function (PolyPhen-2) suggests that this variant is likely to be disruptive. In summary, the available evidence is currently insufficient to determine the role of this variant in disease. Therefore, it has been classified as a Variant of Uncertain Significance.

Fulgent Genetics
Classification: Uncertain significance for Mitochondrial complex IV deficiency, nuclear type 11. Last evaluated: 2024-01-18. Review status: criteria provided, single submitter. Criteria: ACMG Guidelines, 2015. Collection method: clinical testing. Allele origin: germline.

GeneDx
Classification: Uncertain significance. Last evaluated: 2016-08-17. Review status: criteria provided, single submitter. Criteria: GeneDx Variant Classification (06012015). Collection method: clinical testing. Allele origin: germline. Affected: yes.
Comment: p.Asp107Asn (GAT>AAT): c.319 G>A in exon 4 of the COX20 gene (NM_198076.4). The D107N variant has not been published as a mutation, nor has it been reported as a benign polymorphism to our knowledge. The D170N variant is a semi-conservative amino acid substitution, which may impact secondary protein structure as these residues differ in some properties. This substitution occurs at a position that is conserved across species. In silico analysis is inconsistent in its predictions as to whether or not the variant is damaging to the protein structure/function. Therefore, based on the currently available information, it is unclear whether this variant is a pathogenic mutation or a rare benign variant. The variant is found in MITONUC-MITOP panel(s).

NM_198076.6(COX20):c.319G>A (p.Asp107Asn)

Gene: COX20 (cytochrome c oxidase assembly factor COX20; plus strand). Cytogenetic location: 1q44.
Variant type: single nucleotide variant.
Coding change: c.319G>A on transcript NM_198076.6 (MANE Select); coding-DNA position 319, G replaced by A.
Protein change: p.Asp107Asn; replaces aspartic acid 107 with asparagine.
Molecular consequence: missense variant. On other transcripts: 3 prime UTR variant (1), non-coding transcript variant (3).
Genome position (GRCh38, 1-based): chr1:244,843,138, G>A. VCF-style: chr1-244843138-G-A. GRCh37 (hg19) VCF-style: chr1-245006440-G-A.
Other names: p.D107N:GAT>AAT; c.319G>A, p.Asp107Asn (NM_001312871.1); c.355G>A, p.Asp119Asn (NM_001312872.1); c.184G>A, p.Asp62Asn (NM_001312873.1); c.*129G>A (NM_001312874.1); short protein forms D107N, D119N, D62N.
Identifiers: ClinVar variation 214274 (VCV000214274.8), dbSNP rs373502901, ClinGen allele CA325247.